The following is an entry in ClinVar:

ClinVar aggregate classification (germline): Pathogenic. Review status: criteria provided, single submitter (1 of 4 stars). 2 submissions from 2 submitters: Pathogenic (1). 1 of the submissions does not count toward it. Last evaluated 2024-01-07.

Conditions:
METHYLMALONIC ACIDURIA, mut(0) TYPE. Identifiers: MedGen C1855115, OMIM 251000.

gnomAD v4.1: 2 of 1,610,016 alleles (0.00012%); highest among the groups gnomAD compares: Non-Finnish European, 0.00017%; no homozygotes.

Submissions (2):

Labcorp Genetics (formerly Invitae), Labcorp
Classification: Pathogenic. Last evaluated: 2024-01-07. Review status: criteria provided, single submitter. Criteria: Invitae Variant Classification Sherloc (09022015). Collection method: clinical testing. Allele origin: germline.
Comment: This sequence change replaces arginine, which is basic and polar, with lysine, which is basic and polar, at codon 603 of the MUT protein (p.Arg603Lys). RNA analysis indicates that this missense change induces altered splicing and may result in an absent or disrupted protein product. This variant is not present in population databases (gnomAD no frequency). This missense change has been observed in individuals with methylmalonic aciduria (PMID: 15781192, 17957493, 31622506, 36717752). ClinVar contains an entry for this variant (Variation ID: 1890). An algorithm developed to predict the effect of missense changes on protein structure and function (PolyPhen-2) suggests that this variant is likely to be tolerated. Variants that disrupt the consensus splice site are a relatively common cause of aberrant splicing (PMID: 17576681, 9536098). Studies have shown that this missense change results in activation of a cryptic splice site and introduces a premature termination codon (PMID: 15781192). The resulting mRNA is expected to undergo nonsense-mediated decay. This variant disrupts the p.R603 amino acid residue in MUT. Other variant(s) that disrupt this residue have been observed in individuals with MUT-related conditions (PMID: 19375370, 34668645, 36717752), which suggests that this may be a clinically significant amino acid residue. For these reasons, this variant has been classified as Pathogenic.

OMIM
Classification: Pathogenic for METHYLMALONIC ACIDURIA, mut(0) TYPE. Last evaluated: 2007-12-01. Review status: no assertion criteria provided. Collection method: literature only. Allele origin: germline. Not counted in ClinVar's aggregate classification.

Literature cited by the submitters: PubMed 15781192 (cited by Labcorp Genetics (formerly Invitae), Labcorp); PubMed 17957493 (cited by Labcorp Genetics (formerly Invitae), Labcorp); PubMed 31622506 (cited by Labcorp Genetics (formerly Invitae), Labcorp); PubMed 36717752 (cited by Labcorp Genetics (formerly Invitae), Labcorp); PubMed 17576681 (cited by Labcorp Genetics (formerly Invitae), Labcorp); PubMed 9536098 (cited by Labcorp Genetics (formerly Invitae), Labcorp); PubMed 19375370 (cited by Labcorp Genetics (formerly Invitae), Labcorp); PubMed 34668645 (cited by Labcorp Genetics (formerly Invitae), Labcorp); PubMed 17966092 (cited by OMIM).

NM_000255.4(MMUT):c.1808G>A (p.Arg603Lys)

Gene: MMUT (methylmalonyl-CoA mutase; minus strand). Cytogenetic location: 6p12.3.
Variant type: single nucleotide variant.
Coding change: c.1808G>A on transcript NM_000255.4 (MANE Select); coding-DNA position 1808, G replaced by A.
Protein change: p.Arg603Lys; replaces arginine 603 with lysine.
Molecular consequence: missense variant.
Genome position (GRCh38, 1-based): chr6:49,441,840, C>T on the plus strand (G>A on the coding strand, the complement: MMUT is on the minus strand). VCF-style: chr6-49441840-C-T. GRCh37 (hg19) VCF-style: chr6-49409553-C-T.
Other names: 1808G-A; short protein forms R603K.
Identifiers: ClinVar variation 1890 (VCV000001890.5), dbSNP rs1412463565, ClinGen allele CA364395595.